The following is an entry in ClinVar:

ClinVar aggregate classification (germline): Uncertain significance. Review status: criteria provided, multiple submitters, no conflicts (2 of 4 stars). 2 submissions from 2 submitters: Uncertain significance (2). Last evaluated 2023-06-30.

Conditions:
Inborn genetic diseases. Identifiers: MedGen C0950123, MeSH D030342.

Submissions (2):

Ambry Genetics
Classification: Uncertain significance for Inborn genetic diseases. Last evaluated: 2023-06-30. Review status: criteria provided, single submitter. Criteria: Ambry Variant Classification Scheme 2023. Collection method: clinical testing. Allele origin: germline.

CeGaT Center for Human Genetics Tuebingen
Classification: Uncertain significance. Last evaluated: 2022-11-01. Review status: criteria provided, single submitter. Criteria: CeGaT Center For Human Genetics Tuebingen Variant Classification Criteria Version 2. Collection method: clinical testing. Allele origin: germline. Affected: yes. Observed: 1 variant allele.
Comment: AFF2: PM2

NM_002025.4(AFF2):c.251T>C (p.Leu84Ser)

Gene: AFF2 (ALF transcription elongation factor 2; plus strand). Cytogenetic location: Xq28.
Variant type: single nucleotide variant.
Coding change: c.251T>C on transcript NM_002025.4 (MANE Select); coding-DNA position 251, T replaced by C.
Protein change: p.Leu84Ser; replaces leucine 84 with serine.
Molecular consequence: missense variant.
Genome position (GRCh38, 1-based): chrX:148,661,978, T>C. VCF-style: chrX-148661978-T-C. GRCh37 (hg19) VCF-style: chrX-147743499-T-C.
Other names: c.239T>C, p.Leu80Ser (NM_001169122.2, NM_001169123.2, NM_001169125.2); c.251T>C, p.Leu84Ser (NM_001169124.2); short protein forms L80S, L84S.
Identifiers: ClinVar variation 2608911 (VCV002608911.26), dbSNP rs1557257789, ClinGen allele CA414508650.